The following is an entry in ClinVar:

NM_012154.5(AGO2):c.2113A>G (p.Ile705Val)

Gene: AGO2 (argonaute RISC catalytic component 2; minus strand). Cytogenetic location: 8q24.3.
Variant type: single nucleotide variant.
Coding change: c.2113A>G on transcript NM_012154.5 (MANE Select); coding-DNA position 2113, A replaced by G.
Protein change: p.Ile705Val; replaces isoleucine 705 with valine.
Molecular consequence: missense variant.
Genome position (GRCh38, 1-based): chr8:140,539,376, T>C on the plus strand (A>G on the coding strand, the complement: AGO2 is on the minus strand). VCF-style: chr8-140539376-T-C. GRCh37 (hg19) VCF-style: chr8-141549475-T-C.
Other names: c.2113A>G, p.Ile705Val (NM_001164623.3); short protein forms I705V.
Identifiers: ClinVar variation 3367279 (VCV003367279.2).

ClinVar aggregate classification (germline): Uncertain significance (1 of 4 stars; one submission).

gnomAD v4.1: 2 of 1,613,976 alleles (0.00012%); highest among the groups gnomAD compares: Non-Finnish European, 0.00017%; no homozygotes.

Submission:

GeneDx
Classification: Uncertain significance. Last evaluated: 2025-04-16. Review status: criteria provided, single submitter. Criteria: GeneDx Variant Classification Process June 2021. Collection method: clinical testing. Allele origin: germline.
Comment: Not observed at significant frequency in large population cohorts (gnomAD); In silico analysis indicates that this missense variant does not alter protein structure/function; Has not been previously published as pathogenic or benign to our knowledge